The following is an entry in ClinVar:

ClinVar aggregate classification (germline): Uncertain significance (1 of 4 stars; one submission).

gnomAD v4.1: 1 of 1,613,884 alleles (0.000062%); highest among the groups gnomAD compares: Non-Finnish European, 0.000085%; no homozygotes.

Submission:

Labcorp Genetics (formerly Invitae), Labcorp
Classification: Uncertain significance. Last evaluated: 2025-10-08. Review status: criteria provided, single submitter. Criteria: Invitae Variant Classification Sherloc (09022015). Collection method: clinical testing. Allele origin: germline.
Comment: This sequence change replaces threonine, which is neutral and polar, with isoleucine, which is neutral and non-polar, at codon 325 of the SMARCB1 protein (p.Thr325Ile). This variant is not present in population databases (gnomAD no frequency). This variant has not been reported in the literature in individuals affected with SMARCB1-related conditions. Invitae Evidence Modeling of protein sequence and biophysical properties (such as structural, functional, and spatial information, amino acid conservation, physicochemical variation, residue mobility, and thermodynamic stability) has been performed for this missense variant. However, the output from this modeling did not meet the statistical confidence thresholds required to predict the impact of this variant on SMARCB1 protein function. In summary, the available evidence is currently insufficient to determine the role of this variant in disease. Therefore, it has been classified as a Variant of Uncertain Significance.

NM_003073.5(SMARCB1):c.974C>T (p.Thr325Ile)

Gene: SMARCB1 (SWI/SNF related BAF chromatin remodeling complex subunit B1; plus strand). Cytogenetic location: 22q11.23.
Variant type: single nucleotide variant.
Coding change: c.974C>T on transcript NM_003073.5 (MANE Select); coding-DNA position 974, C replaced by T.
Protein change: p.Thr325Ile; replaces threonine 325 with isoleucine.
Molecular consequence: missense variant.
Genome position (GRCh38, 1-based): chr22:23,825,403, C>T. VCF-style: chr22-23825403-C-T. GRCh37 (hg19) VCF-style: chr22-24167590-C-T.
Other names: c.947C>T, p.Thr316Ile (NM_001007468.3); c.1001C>T, p.Thr334Ile (NM_001317946.2); c.1028C>T, p.Thr343Ile (NM_001362877.2); short protein forms T325I, T316I, T343I, T334I.
Identifiers: ClinVar variation 4738388 (VCV004738388.1).